The following is an entry in ClinVar:

NM_006785.4(MALT1):c.2326del (p.Ser776fs)

Gene: MALT1 (MALT1 paracaspase; plus strand). Cytogenetic location: 18q21.32.
Variant type: Deletion.
Coding change: c.2326del on transcript NM_006785.4 (MANE Select); coding-DNA position 2326, one base deleted (A; older notation c.2326delA).
Protein change: p.Ser776fs; shifts the reading frame from serine 776.
Molecular consequence: frameshift variant.
Genome position (GRCh38, 1-based): chr18:58,747,693, A deleted. VCF-style (leftmost placement, unchanged base first): chr18-58747692-TA-T. GRCh37 (hg19) VCF-style: chr18-56414924-TA-T.
Other names: c.2293del, p.Ser765fs (NM_173844.3); short protein forms S776fs, S765fs.
Identifiers: ClinVar variation 2104499 (VCV002104499.4), dbSNP rs2475378620, ClinGen allele CA2580095959.

ClinVar aggregate classification (germline): Uncertain significance (1 of 4 stars; one submission).

Conditions:
Combined immunodeficiency due to MALT1 deficiency. Also called: Immunodeficiency 12. Identifiers: Orphanet 397964, MedGen C3809583, MONDO:0014197, OMIM 615468.

Submission:

Labcorp Genetics (formerly Invitae), Labcorp
Classification: Uncertain significance for Combined immunodeficiency due to MALT1 deficiency. Last evaluated: 2022-02-28. Review status: criteria provided, single submitter. Criteria: Invitae Variant Classification Sherloc (09022015). Collection method: clinical testing. Allele origin: germline.
Comment: In summary, the available evidence is currently insufficient to determine the role of this variant in disease. Therefore, it has been classified as a Variant of Uncertain Significance. Experimental studies and prediction algorithms are not available or were not evaluated, and the functional significance of this variant is currently unknown. This variant has not been reported in the literature in individuals affected with MALT1-related conditions. This variant is not present in population databases (gnomAD no frequency). This sequence change creates a premature translational stop signal (p.Ser776Alafs*30) in the MALT1 gene. While this is not anticipated to result in nonsense mediated decay, it is expected to disrupt the last 49 amino acid(s) of the MALT1 protein.